The following is an entry in ClinVar:

ClinVar aggregate classification (germline): Uncertain significance (1 of 4 stars; one submission).

Conditions:
Early-infantile DEE. Also called: Early infantile epileptic encephalopathy with suppression bursts; Ohtahara syndrome; Early infantile epileptic encephalopathy. Identifiers: Orphanet 1934, MedGen C0393706, MONDO:0800491.

Submission:

Labcorp Genetics (formerly Invitae), Labcorp
Classification: Uncertain significance for Early-infantile DEE. Last evaluated: 2021-06-10. Review status: criteria provided, single submitter. Criteria: Invitae Variant Classification Sherloc (09022015). Collection method: clinical testing. Allele origin: germline.
Comment: In summary, the available evidence is currently insufficient to determine the role of this variant in disease. Therefore, it has been classified as a Variant of Uncertain Significance. Algorithms developed to predict the effect of missense changes on protein structure and function (SIFT, PolyPhen-2, Align-GVGD) all suggest that this variant is likely to be disruptive, but these predictions have not been confirmed by published functional studies and their clinical significance is uncertain. This variant has not been reported in the literature in individuals with SCN1A-related conditions. This variant is not present in population databases (ExAC no frequency). This sequence change replaces threonine with serine at codon 1129 of the SCN1A protein (p.Thr1129Ser). The threonine residue is highly conserved and there is a small physicochemical difference between threonine and serine.

NM_001165963.4(SCN1A):c.3385A>T (p.Thr1129Ser)

Genes: SCN1A (sodium voltage-gated channel alpha subunit 1; minus strand), LOC102724058 (uncharacterized LOC102724058; plus strand). Cytogenetic location: 2q24.3.
Variant type: single nucleotide variant.
Coding change: c.3385A>T on transcript NM_001165963.4 (MANE Select); coding-DNA position 3385, A replaced by T.
Protein change: p.Thr1129Ser; replaces threonine 1129 with serine.
Molecular consequence: missense variant. On other transcripts: non-coding transcript variant (2).
Genome position (GRCh38, 1-based): chr2:166,036,092, T>A on the plus strand (A>T on the coding strand, the complement: SCN1A is on the minus strand). VCF-style: chr2-166036092-T-A. GRCh37 (hg19) VCF-style: chr2-166892602-T-A.
Other names: c.3301A>T, p.Thr1101Ser (NM_001165964.3, NM_001353957.2, NM_001353958.2); c.3385A>T, p.Thr1129Ser (NM_001202435.3, NM_001353948.2); c.3352A>T, p.Thr1118Ser (NM_001353949.2, NM_001353950.2, NM_001353951.2 and 2 more transcripts); c.3349A>T, p.Thr1117Ser (NM_001353954.2, NM_001353955.2); c.3298A>T, p.Thr1100Ser (NM_001353960.2); c.943A>T, p.Thr315Ser (NM_001353961.2); short protein forms T1100S, T1117S, T1129S, T315S, T1101S, T1118S.
Identifiers: ClinVar variation 1360214 (VCV001360214.9), dbSNP rs2105793364, ClinGen allele CA349059164.